The following is an entry in ClinVar:

ClinVar aggregate classification (germline): Conflicting classifications of pathogenicity. Review status: criteria provided, conflicting classifications (1 of 4 stars). 2 submissions from 2 submitters: Uncertain significance (1); Likely benign (1). Last evaluated 2023-11-17.

Conditions:
Ehlers-Danlos syndrome, kyphoscoliotic type 1 (EDSKSCL1). Also called: PLOD1-Related Kyphoscoliotic Ehlers-Danlos Syndrome; Ehlers-Danlos syndrome, hydroxylysine-deficient; EHLERS-DANLOS SYNDROME, OCULAR-SCOLIOTIC TYPE; EHLERS-DANLOS SYNDROME, TYPE VIA. Identifiers: Orphanet 1900, MedGen C0268342, MONDO:0016002, OMIM 225400. Disease mechanism: loss of function.
Familial thoracic aortic aneurysm and aortic dissection (TAAD). Also called: Thoracic aortic aneurysms and dissections. Identifiers: Orphanet 91387, MedGen C4707243, MONDO:0019625.

Allele frequency attached by ClinVar (database versions not stated): gnomAD 0.00001.
gnomAD v4.1: 12 of 1,612,456 alleles (0.00074%); highest among the groups gnomAD compares: African/African-American, 0.0027%; 1 homozygote.

Submissions (2):

Ambry Genetics
Classification: Likely benign for Familial thoracic aortic aneurysm and aortic dissection. Last evaluated: 2023-11-17. Review status: criteria provided, single submitter. Criteria: Ambry Variant Classification Scheme 2023. Collection method: clinical testing. Allele origin: germline.

Labcorp Genetics (formerly Invitae), Labcorp
Classification: Uncertain significance for Ehlers-Danlos syndrome, kyphoscoliotic type 1. Last evaluated: 2022-05-06. Review status: criteria provided, single submitter. Criteria: Invitae Variant Classification Sherloc (09022015). Collection method: clinical testing. Allele origin: germline.
Comment: This sequence change replaces glycine, which is neutral and non-polar, with serine, which is neutral and polar, at codon 607 of the PLOD1 protein (p.Gly607Ser). This variant is present in population databases (rs757393804, gnomAD 0.0009%). This variant has not been reported in the literature in individuals affected with PLOD1-related conditions. Algorithms developed to predict the effect of missense changes on protein structure and function output the following: SIFT: "Tolerated"; PolyPhen-2: "Benign"; Align-GVGD: "Class C0". The serine amino acid residue is found in multiple mammalian species, which suggests that this missense change does not adversely affect protein function. In summary, the available evidence is currently insufficient to determine the role of this variant in disease. Therefore, it has been classified as a Variant of Uncertain Significance.

NM_000302.4(PLOD1):c.1819G>A (p.Gly607Ser)

Gene: PLOD1 (procollagen-lysine,2-oxoglutarate 5-dioxygenase 1; plus strand). Cytogenetic location: 1p36.22.
Variant type: single nucleotide variant.
Coding change: c.1819G>A on transcript NM_000302.4 (MANE Select); coding-DNA position 1819, G replaced by A.
Protein change: p.Gly607Ser; replaces glycine 607 with serine.
Molecular consequence: missense variant.
Genome position (GRCh38, 1-based): chr1:11,970,733, G>A. VCF-style: chr1-11970733-G-A. GRCh37 (hg19) VCF-style: chr1-12030790-G-A.
Other names: c.1960G>A, p.Gly654Ser (NM_001316320.2); c.1819G>A (NM_000302.3); short protein forms G607S, G654S.
Identifiers: ClinVar variation 2057765 (VCV002057765.2), dbSNP rs757393804, ClinGen allele CA598581.